The following is an entry in ClinVar:

NM_014141.6(CNTNAP2):c.3106G>T (p.Ala1036Ser)

Gene: CNTNAP2 (contactin associated protein 2; plus strand). Cytogenetic location: 7q36.1.
Variant type: single nucleotide variant.
Coding change: c.3106G>T on transcript NM_014141.6 (MANE Select); coding-DNA position 3106, G replaced by T.
Protein change: p.Ala1036Ser; replaces alanine 1036 with serine.
Molecular consequence: missense variant.
Genome position (GRCh38, 1-based): chr7:148,217,383, G>T. VCF-style: chr7-148217383-G-T. GRCh37 (hg19) VCF-style: chr7-147914475-G-T.
Other names: short protein forms A1036S.
Identifiers: ClinVar variation 1370063 (VCV001370063.8), dbSNP rs545175315, ClinGen allele CA369929254.

ClinVar aggregate classification (germline): Uncertain significance (1 of 4 stars; one submission).

Conditions:
Cortical dysplasia-focal epilepsy syndrome (PTHSL1). Also called: Pitt-Hopkins-like syndrome 1. Identifiers: Orphanet 163681, Orphanet 221150, MedGen C2750246, MONDO:0012400, OMIM 610042.

Submission:

Labcorp Genetics (formerly Invitae), Labcorp
Classification: Uncertain significance for Cortical dysplasia-focal epilepsy syndrome. Last evaluated: 2021-07-26. Review status: criteria provided, single submitter. Criteria: Invitae Variant Classification Sherloc (09022015). Collection method: clinical testing. Allele origin: germline.
Comment: This variant has not been reported in the literature in individuals affected with CNTNAP2-related conditions. This variant is not present in population databases (ExAC no frequency). This sequence change replaces alanine with serine at codon 1036 of the CNTNAP2 protein (p.Ala1036Ser). The alanine residue is weakly conserved and there is a moderate physicochemical difference between alanine and serine. Algorithms developed to predict the effect of missense changes on protein structure and function output the following: SIFT: "Tolerated"; PolyPhen-2: "Benign"; Align-GVGD: "Class C0". The serine amino acid residue is found in multiple mammalian species, which suggests that this missense change does not adversely affect protein function. In summary, the available evidence is currently insufficient to determine the role of this variant in disease. Therefore, it has been classified as a Variant of Uncertain Significance.